The following is an entry in ClinVar:

NM_005633.4(SOS1):c.1010A>G (p.Tyr337Cys)

Gene: SOS1 (SOS Ras/Rac guanine nucleotide exchange factor 1; minus strand). Cytogenetic location: 2p22.1.
Variant type: single nucleotide variant.
Coding change: c.1010A>G on transcript NM_005633.4 (MANE Select); coding-DNA position 1010, A replaced by G.
Protein change: p.Tyr337Cys; replaces tyrosine 337 with cysteine.
Molecular consequence: missense variant.
Genome position (GRCh38, 1-based): chr2:39,035,276, T>C on the plus strand (A>G on the coding strand, the complement: SOS1 is on the minus strand). VCF-style: chr2-39035276-T-C. GRCh37 (hg19) VCF-style: chr2-39262417-T-C.
Other names: c.989A>G, p.Tyr330Cys (NM_001382394.1); c.1010A>G, p.Tyr337Cys (NM_001382395.1); short protein forms Y337C, Y330C.
Identifiers: ClinVar variation 162463 (VCV000162463.26), dbSNP rs724160007, ClinGen allele CA090930.

ClinVar aggregate classification (germline): Uncertain significance. Review status: criteria provided, multiple submitters, no conflicts (2 of 4 stars). 10 submissions from 9 submitters: Uncertain significance (9). 1 of the submissions does not count toward it. Last evaluated 2025-12-01.

Conditions:
Noonan syndrome 4 (NS4). Also called: NOONAN SYNDROME WITH PIGMENTED VILLONODULAR SYNOVITIS; SOS1-Related Noonan Syndrome. Identifiers: Orphanet 648, MedGen C1853120, MONDO:0012547, OMIM 610733.
Fibromatosis, gingival, 1 (GINGF1). Identifiers: Orphanet 2024, MedGen C4551558, MONDO:0007609, OMIM 135300.
Cardiovascular phenotype. Identifiers: MedGen CN230736.
RASopathy. Also called: Noonan spectrum disorder; rasopathies. Identifiers: Orphanet 536391, MedGen C5555857, MONDO:0021060.

Allele frequency attached by ClinVar (database versions not stated): gnomAD exomes 0.00001 and 0.00002; TOPMed 0.00002; ExAC 0.00003.
gnomAD v4.1: 11 of 1,613,930 alleles (0.00068%); highest among the groups gnomAD compares: Admixed American, 0.012%; no homozygotes.

Submissions (10):

Women's Health and Genetics/Laboratory Corporation of America, LabCorp
Classification: Uncertain significance. Last evaluated: 2025-12-01. Review status: criteria provided, single submitter. Criteria: LabCorp Variant Classification Summary - May 2015. Collection method: clinical testing. Allele origin: germline.
Comment: Variant summary: SOS1 c.1010A>G (p.Tyr337Cys) results in a non-conservative amino acid change in the encoded protein sequence. Algorithms developed to predict the effect of missense changes on protein structure and function are either unavailable or do not agree on the potential impact of this missense change. The variant allele was found at a frequency of 2.4e-05 in 251272 control chromosomes. The available data on variant occurrences in the general population are insufficient to allow any conclusion about variant significance. c.1010A>G has been observed in the presumed heterozygous state in at least 1 individual(s) affected with Noonan syndrome (example, Roberts_2007). These data do not allow any conclusion about variant significance. At least 2 publications report experimental evidence evaluating an impact on protein function, however, do not allow convincing conclusions about the variant effect (Roberts_2007, Smith_2013). The following publications have been ascertained in the context of this evaluation (PMID: 23487764, 17586837, 21387466, 17143285, 33035641, 34204435, 30635434, 22585553, 32603605, 20648242, 27181684, 24803665, 21779504, 20958325, 18651097). ClinVar contains an entry for this variant (Variation ID: 162463). Based on the evidence outlined above, the variant was classified as uncertain significance.

Labcorp Genetics (formerly Invitae), Labcorp
Classification: Uncertain significance for RASopathy. Last evaluated: 2025-08-20. Review status: criteria provided, single submitter. Criteria: Invitae Variant Classification Sherloc (09022015). Collection method: clinical testing. Allele origin: germline.
Comment: This sequence change replaces tyrosine, which is neutral and polar, with cysteine, which is neutral and slightly polar, at codon 337 of the SOS1 protein (p.Tyr337Cys). This variant is present in population databases (rs724160007, gnomAD 0.01%). This missense change has been observed in individual(s) with Noonan syndrome (PMID: 17143285). ClinVar contains an entry for this variant (Variation ID: 162463). Invitae Evidence Modeling of protein sequence and biophysical properties (such as structural, functional, and spatial information, amino acid conservation, physicochemical variation, residue mobility, and thermodynamic stability) indicates that this missense variant is expected to disrupt SOS1 protein function with a positive predictive value of 95%. Experimental studies are conflicting or provide insufficient evidence to determine the effect of this variant on SOS1 function (PMID: 17143285, 23487764). This variant disrupts the p.Tyr337 amino acid residue in SOS1. Other variant(s) that disrupt this residue have been observed in individuals with SOS1-related conditions (PMID: 35979676), which suggests that this may be a clinically significant amino acid residue. In summary, the available evidence is currently insufficient to determine the role of this variant in disease. Therefore, it has been classified as a Variant of Uncertain Significance.

Ambry Genetics
Classification: Uncertain significance for Cardiovascular phenotype. Last evaluated: 2025-03-13. Review status: criteria provided, single submitter. Criteria: Ambry Variant Classification Scheme 2023. Collection method: clinical testing. Allele origin: germline.
Comment: The p.Y337C variant (also known as c.1010A>G), located in coding exon 8 of the SOS1 gene, results from an A to G substitution at nucleotide position 1010. The tyrosine at codon 337 is replaced by cysteine, an amino acid with highly dissimilar properties. This variant has been detected in an individual with reported clinical diagnosis of Noonan syndrome (Roberts AE et al. Nat Genet, 2007 Jan;39:70-4). In vitro studies by one group suggested this variant had no functional impact, while studies from a second group reported some increase in pERK compared to wild type (Roberts AE et al. Nat Genet, 2007 Jan;39:70-4; Smith MJ et al. Proc Natl Acad Sci U S A, 2013 Mar;110:4574-9).This amino acid position is highly conserved in available vertebrate species. In addition, this alteration is predicted to be deleterious by in silico analysis. Since supporting evidence is limited at this time, the clinical significance of this alteration remains unclear.

GeneDx
Classification: Uncertain significance. Last evaluated: 2024-09-05. Review status: criteria provided, single submitter. Criteria: GeneDx Variant Classification Process June 2021. Collection method: clinical testing. Allele origin: germline. Affected: yes.
Comment: Identified in a patient with features of Noonan syndrome in published literature (PMID: 17143285); Functional studies show conflicting results regarding the potential effect the Y337C variant has on protein function (PMID: 17143285, 23487764); In silico analysis supports that this missense variant has a deleterious effect on protein structure/function; Missense variants in this gene are a common cause of disease and they are underrepresented in the general population; This variant is associated with the following publications: (PMID: 23487764, 24803665, 29493581, 17143285)

Revvity Omics, Revvity
Classification: Uncertain significance. Last evaluated: 2024-06-26. Review status: criteria provided, single submitter. Criteria: ACMG Guidelines, 2015. Collection method: clinical testing. Allele origin: germline.

Fulgent Genetics
Classification: Uncertain significance for Fibromatosis, gingival, 1; Noonan syndrome 4. Last evaluated: 2021-08-17. Review status: criteria provided, single submitter. Criteria: ACMG Guidelines, 2015. Collection method: clinical testing. Allele origin: unknown.

Laboratory for Molecular Medicine, Mass General Brigham Personalized Medicine
Classification: Uncertain significance. Last evaluated: 2014-08-14. Review status: criteria provided, single submitter. Criteria: LMM Criteria. Collection method: clinical testing. Allele origin: germline. Observed: 1 variant allele.
Comment: The Tyr337Cys variant in SOS1 has been reported in 1 individual with clinical fe atures of Noonan syndrome (Roberts 2007), but has also been reported to be prese nt in 2 unaffected individuals from one family (Personal Communication). This va riant was absent from large population studies. Studies have shown that the Tyr3 37Cys variant may impact protein function by increasing its activity though thes e results are inconclusive and these in vitro assays may not accurately represen t biological function (Smith 2013). Due to the conflicting data about this varia nt, the clinical significance of the Tyr337Cys variant is uncertain.

Genome-Nilou Lab
Classification: Uncertain significance for Noonan syndrome 4. Review status: criteria provided, single submitter. Criteria: ACMG Guidelines, 2015. Collection method: clinical testing. Allele origin: germline.

Genome-Nilou Lab
Classification: Uncertain significance for Fibromatosis, gingival, 1. Review status: criteria provided, single submitter. Criteria: ACMG Guidelines, 2015. Collection method: clinical testing. Allele origin: germline.

Baylor Genetics
Classification: Uncertain significance for Rasopathy. Review status: no assertion criteria provided. Collection method: clinical testing. Allele origin: unknown. Affected: yes. Not counted in ClinVar's aggregate classification.
Comment: Variant classified using ACMG guidelines

Literature cited by the submitters: PubMed 17586837 (cited by Women's Health and Genetics/Laboratory Corporation of America, LabCorp); PubMed 21387466 (cited by Women's Health and Genetics/Laboratory Corporation of America, LabCorp); PubMed 23487764 (cited by 5 submitters); PubMed 17143285 (cited by 5 submitters); PubMed 22585553 (cited by Women's Health and Genetics/Laboratory Corporation of America, LabCorp); PubMed 24803665 (cited by Women's Health and Genetics/Laboratory Corporation of America, LabCorp); PubMed 18651097 (cited by Women's Health and Genetics/Laboratory Corporation of America, LabCorp); PubMed 21779504 (cited by Women's Health and Genetics/Laboratory Corporation of America, LabCorp); PubMed 27181684 (cited by Women's Health and Genetics/Laboratory Corporation of America, LabCorp); PubMed 20648242 (cited by Women's Health and Genetics/Laboratory Corporation of America, LabCorp); PubMed 32603605 (cited by Women's Health and Genetics/Laboratory Corporation of America, LabCorp and Ambry Genetics); PubMed 30635434 (cited by Women's Health and Genetics/Laboratory Corporation of America, LabCorp); PubMed 34204435 (cited by Women's Health and Genetics/Laboratory Corporation of America, LabCorp); PubMed 33035641 (cited by Women's Health and Genetics/Laboratory Corporation of America, LabCorp); PubMed 20958325 (cited by Women's Health and Genetics/Laboratory Corporation of America, LabCorp); PubMed 35979676 (cited by Labcorp Genetics (formerly Invitae), Labcorp).